The following is an entry in ClinVar:

ClinVar aggregate classification (germline): Uncertain significance (1 of 4 stars; one submission).

gnomAD v4.1: 1 of 1,614,216 alleles (0.000062%); highest among the groups gnomAD compares: Non-Finnish European, 0.000085%; no homozygotes.

Submission:

GeneDx
Classification: Uncertain significance. Last evaluated: 2025-08-04. Review status: criteria provided, single submitter. Criteria: GeneDx Variant Classification Process June 2021. Collection method: clinical testing. Allele origin: germline. Affected: yes.
Comment: Not observed at significant frequency in large population cohorts (gnomAD); In silico analysis supports that this missense variant has a deleterious effect on protein structure/function; Has not been previously published as pathogenic or benign to our knowledge

NM_000384.3(APOB):c.3860A>G (p.Tyr1287Cys)

Gene: APOB (apolipoprotein B; minus strand). Cytogenetic location: 2p24.1.
Variant type: single nucleotide variant.
Coding change: c.3860A>G on transcript NM_000384.3 (MANE Select); coding-DNA position 3860, A replaced by G.
Protein change: p.Tyr1287Cys; replaces tyrosine 1287 with cysteine.
Molecular consequence: missense variant.
Genome position (GRCh38, 1-based): chr2:21,013,516, T>C on the plus strand (A>G on the coding strand, the complement: APOB is on the minus strand). VCF-style: chr2-21013516-T-C. GRCh37 (hg19) VCF-style: chr2-21236388-T-C.
Other names: short protein forms Y1287C.
Identifiers: ClinVar variation 4756009 (VCV004756009.1).